The following is an entry in ClinVar:

ClinVar aggregate classification (germline): Uncertain significance. Review status: criteria provided, multiple submitters, no conflicts (2 of 4 stars). 2 submissions from 2 submitters: Uncertain significance (2). Last evaluated 2021-04-21.

Allele frequency attached by ClinVar (database versions not stated): gnomAD exomes below 0.00001 and 0.00001; gnomAD 0.00006 and 0.00007; ExAC 0.00007; TOPMed 0.00007.

Submissions (2):

Labcorp Genetics (formerly Invitae), Labcorp
Classification: Uncertain significance. Last evaluated: 2021-04-21. Review status: criteria provided, single submitter. Criteria: Invitae Variant Classification Sherloc (09022015). Collection method: clinical testing. Allele origin: germline.
Comment: This sequence change falls in intron 5 of the LHX3 gene. It does not directly change the encoded amino acid sequence of the LHX3 protein. It affects a nucleotide within the consensus splice site of the intron. This variant is present in population databases (rs770599306, ExAC 0.09%). This variant has not been reported in the literature in individuals with LHX3-related conditions. ClinVar contains an entry for this variant (Variation ID: 283552). Nucleotide substitutions within the consensus splice site are a relatively common cause of aberrant splicing (PMID: 17576681, 9536098). Experimental studies and prediction algorithms are not available or were not evaluated, and the effect of this variant on mRNA splicing is currently unknown. In summary, the available evidence is currently insufficient to determine the role of this variant in disease. Therefore, it has been classified as a Variant of Uncertain Significance.

Eurofins Ntd Llc (ga)
Classification: Uncertain significance. Last evaluated: 2015-10-01. Review status: criteria provided, single submitter. Criteria: EGL Classification Definitions 2015. Collection method: clinical testing. Allele origin: germline. Observed: 1 variant allele, 1 heterozygote.

Literature cited by the submitters: PubMed 17576681 (cited by Labcorp Genetics (formerly Invitae), Labcorp); PubMed 9536098 (cited by Labcorp Genetics (formerly Invitae), Labcorp).

NM_178138.6(LHX3):c.775+6C>T

Gene: LHX3 (LIM homeobox 3; minus strand). Cytogenetic location: 9q34.3.
Variant type: single nucleotide variant.
Coding change: c.775+6C>T on transcript NM_178138.6 (MANE Select); 6 bases into the intron after coding-DNA position 775, C replaced by T.
Molecular consequence: intron variant.
Genome position (GRCh38, 1-based): chr9:136,198,646, G>A on the plus strand (C>T on the coding strand, the complement: LHX3 is on the minus strand). VCF-style: chr9-136198646-G-A. GRCh37 (hg19) VCF-style: chr9-139090492-G-A.
Other names: c.790+6C>T (NM_014564.5); c.742+6C>T (NM_001363746.1).
Identifiers: ClinVar variation 283552 (VCV000283552.6), dbSNP rs770599306, ClinGen allele CA5330385.